The following is an entry in ClinVar:

NM_006180.6(NTRK2):c.249C>T (p.Asn83=)

Genes: NTRK2 (neurotrophic receptor tyrosine kinase 2; plus strand), LOC130001952 (ATAC-STARR-seq lymphoblastoid active region 28508; plus strand). Cytogenetic location: 9q21.33.
Variant type: single nucleotide variant.
Coding change: c.249C>T on transcript NM_006180.6 (MANE Select); coding-DNA position 249, C replaced by T.
Protein change: p.Asn83=; no amino-acid change (asparagine 83 retained).
Molecular consequence: synonymous variant. On other transcripts: 5 prime UTR variant (4).
Genome position (GRCh38, 1-based): chr9:84,702,195, C>T. VCF-style: chr9-84702195-C-T. GRCh37 (hg19) VCF-style: chr9-87317110-C-T.
Other names: c.249C>T, p.Asn83= (NM_001369538.1, NM_001369539.1, NM_001369540.1 and 18 more transcripts); c.-220C>T (NM_001369550.1, NM_001369551.1, NM_001369535.1 and 1 more transcripts); c.249C>T (NM_006180.4).
Identifiers: ClinVar variation 1532575 (VCV001532575.11), dbSNP rs143970219, ClinGen allele CA5105446.

ClinVar aggregate classification (germline): Benign/Likely benign. Review status: criteria provided, multiple submitters, no conflicts (2 of 4 stars). 3 submissions from 3 submitters: Benign (1); Likely benign (1). 1 of the submissions does not count toward it. Last evaluated 2025-11-24.

Conditions:
NTRK2-related disorder. Also called: NTRK2-related condition.

Allele frequency attached by ClinVar (database versions not stated): gnomAD 0.00005 and 0.00011; ESP Exome Variant Server 0.00008; ExAC 0.00014; gnomAD exomes 0.00014 and 0.00021; 1000 Genomes Project 30x 0.00047; 1000 Genomes Project 0.00060.
gnomAD v4.1: 319 of 1,614,120 alleles (0.02%); highest among the groups gnomAD compares: East Asian, 0.64%; 3 homozygotes.

Submissions (3):

Labcorp Genetics (formerly Invitae), Labcorp
Classification: Benign. Last evaluated: 2025-11-24. Review status: criteria provided, single submitter. Criteria: Invitae Variant Classification Sherloc (09022015). Collection method: clinical testing. Allele origin: germline.

Blueprint Genetics
Classification: Likely benign. Last evaluated: 2024-09-06. Review status: criteria provided, single submitter. Criteria: ACMG Guidelines, 2015. Collection method: clinical testing. Allele origin: germline.

PreventionGenetics, part of Exact Sciences
Classification: Likely benign for NTRK2-related condition. Last evaluated: 2020-09-21. Review status: no assertion criteria provided. Collection method: clinical testing. Allele origin: germline. Not counted in ClinVar's aggregate classification.
Comment: This variant is classified as likely benign based on ACMG/AMP sequence variant interpretation guidelines (Richards et al. 2015 PMID: 25741868, with internal and published modifications).